The following is an entry in ClinVar:

NM_000044.6(AR):c.2256G>A (p.Trp752Ter)

Gene: AR (androgen receptor; plus strand). Cytogenetic location: Xq12.
Variant type: single nucleotide variant.
Coding change: c.2256G>A on transcript NM_000044.6 (MANE Select); coding-DNA position 2256, G replaced by A.
Protein change: p.Trp752Ter; replaces tryptophan 752 with a stop codon.
Molecular consequence: nonsense.
Genome position (GRCh38, 1-based): chrX:67,717,560, G>A. VCF-style: chrX-67717560-G-A. GRCh37 (hg19) VCF-style: chrX-66937402-G-A.
Other names: c.660G>A, p.Trp220Ter (NM_001011645.3); short protein forms W220*, W752*.
Identifiers: ClinVar variation 2138587 (VCV002138587.4), dbSNP rs2147530929, ClinGen allele CA413424667.

ClinVar aggregate classification (germline): Pathogenic (1 of 4 stars; one submission).

Conditions:
Androgen resistance syndrome (AIS). Also called: Androgen insensitivity syndrome; Androgen insensitivity syndrome due to coactivator deficiency; DHTR DEFICIENCY; ANDROGEN RECEPTOR DEFICIENCY; DIHYDROTESTOSTERONE RECEPTOR DEFICIENCY; Androgen insensitivity, complete. Identifiers: Orphanet 754, Orphanet 99429, MedGen C0039585, MONDO:0019154, OMIM 300068. Disease mechanism: loss of function.
Kennedy disease (SMAX1). Also called: Spinal and Bulbar Muscular Atrophy; SPINAL AND BULBAR MUSCULAR ATROPHY, X-LINKED 1; KENNEDY SPINAL AND BULBAR MUSCULAR ATROPHY. Identifiers: Orphanet 481, MedGen C1839259, MONDO:0010735, OMIM 313200.

Submission:

Labcorp Genetics (formerly Invitae), Labcorp
Classification: Pathogenic for Kennedy disease; Androgen resistance syndrome. Last evaluated: 2022-01-16. Review status: criteria provided, single submitter. Criteria: Invitae Variant Classification Sherloc (09022015). Collection method: clinical testing. Allele origin: germline.
Comment: This premature translational stop signal has been observed in individual(s) with androgen insensitivity syndrome (PMID: 10458483, 27284311). For these reasons, this variant has been classified as Pathogenic. This variant is also known as Trp751TGG>stopTGA and p.W751X. This variant is not present in population databases (gnomAD no frequency). This sequence change creates a premature translational stop signal (p.Trp752*) in the AR gene. It is expected to result in an absent or disrupted protein product. Loss-of-function variants in AR are known to be pathogenic (PMID: 19463997).

Literature cited by the submitters: PubMed 10458483; PubMed 27284311; PubMed 19463997.